The following is an entry in ClinVar:

NM_025074.7(FRAS1):c.5377G>C (p.Val1793Leu)

Gene: FRAS1 (Fraser extracellular matrix complex subunit 1; plus strand). Cytogenetic location: 4q21.21.
Variant type: single nucleotide variant.
Coding change: c.5377G>C on transcript NM_025074.7 (MANE Select); coding-DNA position 5377, G replaced by C.
Protein change: p.Val1793Leu; replaces valine 1793 with leucine.
Molecular consequence: missense variant.
Genome position (GRCh38, 1-based): chr4:78,438,912, G>C. VCF-style: chr4-78438912-G-C. GRCh37 (hg19) VCF-style: chr4-79360066-G-C.
Other names: c.5377G>C, p.Val1793Leu (NM_001166133.2); short protein forms V1793L.
Identifiers: ClinVar variation 1422801 (VCV001422801.3), dbSNP rs2109823282, ClinGen allele CA357387939.
Genomic context (GRCh38, chr4:78,438,912, plus strand): 5'-CTGGCTTGTCATCGTGGCTTATTCATTTGATTCTTTTTGTTTTTTTATAGATACTCAGCT[G>C]TGTTTGAAACTGATGGTCATCTGGTTACTGATAGCTTCTATTTCTCTGTCTCTGACATGG-3'
Protein context (NP_079350.5, residues 1783-1803): INNKKIRYSA[Val1793Leu]FETDGHLVTD

ClinVar aggregate classification (germline): Uncertain significance (1 of 4 stars; one submission).

Allele frequency attached by ClinVar (database versions not stated): gnomAD exomes below 0.00001.
gnomAD v4.1: 2 of 1,605,984 alleles (0.00012%); highest among the groups gnomAD compares: Admixed American, 0.0017%; no homozygotes.

Submission:

Labcorp Genetics (formerly Invitae), Labcorp
Classification: Uncertain significance. Last evaluated: 2022-09-01. Review status: criteria provided, single submitter. Criteria: Invitae Variant Classification Sherloc (09022015). Collection method: clinical testing. Allele origin: germline.
Comment: This sequence change replaces valine, which is neutral and non-polar, with leucine, which is neutral and non-polar, at codon 1793 of the FRAS1 protein (p.Val1793Leu). This variant is not present in population databases (gnomAD no frequency). This variant has not been reported in the literature in individuals affected with FRAS1-related conditions. ClinVar contains an entry for this variant (Variation ID: 1422801). Algorithms developed to predict the effect of missense changes on protein structure and function output the following: SIFT: "Tolerated"; PolyPhen-2: "Benign"; Align-GVGD: "Class C0". The leucine amino acid residue is found in multiple mammalian species, which suggests that this missense change does not adversely affect protein function. In summary, the available evidence is currently insufficient to determine the role of this variant in disease. Therefore, it has been classified as a Variant of Uncertain Significance.